The following is an entry in ClinVar:

NC_000001.10:g.(?_103427402)_(103573734_?)del

Gene: COL11A1 (collagen type XI alpha 1 chain; minus strand). Cytogenetic location: 1p21.1.
Variant type: Deletion.
Identifiers: ClinVar variation 2424275 (VCV002424275.4).

ClinVar aggregate classification (germline): Pathogenic (1 of 4 stars; one submission).

Submission:

Labcorp Genetics (formerly Invitae), Labcorp
Classification: Pathogenic. Last evaluated: 2022-10-05. Review status: criteria provided, single submitter. Criteria: Invitae Variant Classification Sherloc (09022015). Collection method: clinical testing. Allele origin: germline.
Comment: For these reasons, this variant has been classified as Pathogenic. This variant has not been reported in the literature in individuals affected with COL11A1-related conditions. This variant is a gross deletion of the genomic region encompassing exon(s) 1-41 of the COL11A1 gene, which includes the initiator codon. This deletion extends beyond the assayed region for this gene and therefore may encompass additional genes. It is expected to result in an absent or disrupted protein product. Loss-of-function variants in COL11A1 are known to be pathogenic (PMID: 20513134, 21035103, 23922384, 25240749, 32427345, 32756486).

Literature cited by the submitters: PubMed 20513134; PubMed 21035103; PubMed 23922384; PubMed 25240749; PubMed 32427345; PubMed 32756486.